The following is an entry in ClinVar:

ClinVar aggregate classification (germline): Uncertain significance (1 of 4 stars; one submission).

Conditions:
Peroxisome biogenesis disorder 11A (Zellweger). Also called: Peroxisome biogenesis disorder 11A. Identifiers: Orphanet 912, MedGen C3554000, MONDO:0013949, OMIM 614883.

Allele frequency attached by ClinVar (database versions not stated): gnomAD 0.00001.
gnomAD v4.1: 1 of 1,613,514 alleles (0.000062%); highest among the groups gnomAD compares: Non-Finnish European, 0.000085%; no homozygotes.

Submission:

Labcorp Genetics (formerly Invitae), Labcorp
Classification: Uncertain significance for Peroxisome biogenesis disorder 11A (Zellweger). Last evaluated: 2021-09-21. Review status: criteria provided, single submitter. Criteria: Invitae Variant Classification Sherloc (09022015). Collection method: clinical testing. Allele origin: germline.
Comment: This sequence change replaces histidine with arginine at codon 167 of the PEX13 protein (p.His167Arg). The histidine residue is moderately conserved and there is a small physicochemical difference between histidine and arginine. This variant is not present in population databases (ExAC no frequency). This variant has not been reported in the literature in individuals affected with PEX13-related conditions. Algorithms developed to predict the effect of missense changes on protein structure and function are either unavailable or do not agree on the potential impact of this missense change (SIFT: "Tolerated"; PolyPhen-2: "Probably Damaging"; Align-GVGD: "Class C0"). In summary, the available evidence is currently insufficient to determine the role of this variant in disease. Therefore, it has been classified as a Variant of Uncertain Significance.

NM_002618.4(PEX13):c.500A>G (p.His167Arg)

Gene: PEX13 (peroxisomal biogenesis factor 13; plus strand). Cytogenetic location: 2p15.
Variant type: single nucleotide variant.
Coding change: c.500A>G on transcript NM_002618.4 (MANE Select); coding-DNA position 500, A replaced by G.
Protein change: p.His167Arg; replaces histidine 167 with arginine.
Molecular consequence: missense variant.
Genome position (GRCh38, 1-based): chr2:61,031,826, A>G. VCF-style: chr2-61031826-A-G. GRCh37 (hg19) VCF-style: chr2-61258961-A-G.
Other names: short protein forms H167R.
Identifiers: ClinVar variation 1382613 (VCV001382613.3), dbSNP rs1336772620, ClinGen allele CA346943620.
Genomic context (GRCh38, chr2:61,031,826, plus strand): 5'-TGGATGCTACCTTTTCAGCTGTCTATAACAGTTTCAGGGCTGTATTGGATGTAGCAAATC[A>G]CTTTTCCCGATTGAAAATACACTTTACAAAAGTGTTTTCAGCTTTTGCATTGGTTAGGAC-3'
Protein context (NP_002609.1, residues 157-177): SFRAVLDVAN[His167Arg]FSRLKIHFTK